The following is an entry in ClinVar:

ClinVar aggregate classification (germline): Pathogenic (1 of 4 stars; one submission).

Conditions:
Alpha-N-acetylgalactosaminidase deficiency type 1. Also called: NAGA DEFICIENCY, TYPE I; NEUROAXONAL DYSTROPHY, SCHINDLER TYPE; ALPHA-N-ACETYLGALACTOSAMINIDASE DEFICIENCY, TYPE I; SCHINDLER DISEASE, TYPE I. Identifiers: Orphanet 3137, Orphanet 79279, Orphanet 79281, MedGen C1836544, MONDO:0012221, OMIM 609241.

Submission:

Labcorp Genetics (formerly Invitae), Labcorp
Classification: Pathogenic for Alpha-N-acetylgalactosaminidase deficiency type 1. Last evaluated: 2023-12-11. Review status: criteria provided, single submitter. Criteria: Invitae Variant Classification Sherloc (09022015). Collection method: clinical testing. Allele origin: germline.
Comment: This variant is a gross deletion of the genomic region encompassing exon(s) 4-9 of the NAGA gene, which includes the termination codon. This deletion extends beyond the assayed region for this gene and therefore may encompass additional genes. While this deletion is not anticipated to lead to nonsense mediated decay, it is expected to alter mRNA translation or result in a truncated protein product. This variant has not been reported in the literature in individuals affected with NAGA-related conditions. This variant disrupts a region of the NAGA protein in which other variant(s) (p.Glu325Lys) have been determined to be pathogenic (PMID: 1131374, 7707696, 8040340, 8071745). This suggests that this is a clinically significant region of the protein, and that variants that disrupt it are likely to be disease-causing. For these reasons, this variant has been classified as Pathogenic.

Literature cited by the submitters: PubMed 1131374; PubMed 7707696; PubMed 8040340; PubMed 8071745.

NC_000022.10:g.(?_42456283)_(42463314_?)del

Gene: NAGA (alpha-N-acetylgalactosaminidase; minus strand). Cytogenetic location: 22q13.2.
Variant type: Deletion.
Identifiers: ClinVar variation 2422707 (VCV002422707.4).